The following is an entry in ClinVar:

NM_006231.4(POLE):c.5644G>A (p.Asp1882Asn)

Gene: POLE (DNA polymerase epsilon, catalytic subunit; minus strand). Cytogenetic location: 12q24.33.
Variant type: single nucleotide variant.
Coding change: c.5644G>A on transcript NM_006231.4 (MANE Select); coding-DNA position 5644, G replaced by A.
Protein change: p.Asp1882Asn; replaces aspartic acid 1882 with asparagine.
Molecular consequence: missense variant.
Genome position (GRCh38, 1-based): chr12:132,638,048, C>T on the plus strand (G>A on the coding strand, the complement: POLE is on the minus strand). VCF-style: chr12-132638048-C-T. GRCh37 (hg19) VCF-style: chr12-133214634-C-T.
Other names: c.5644G>A (NM_006231.2); short protein forms D1882N.
Identifiers: ClinVar variation 1482341 (VCV001482341.9), dbSNP rs2138500614, ClinGen allele CA387374009.

ClinVar aggregate classification (germline): Uncertain significance. Review status: criteria provided, multiple submitters, no conflicts (2 of 4 stars). 2 submissions from 2 submitters: Uncertain significance (2). Last evaluated 2025-01-30.

Conditions:
Hereditary cancer-predisposing syndrome. Also called: Tumor predisposition; Hereditary Cancer Syndrome; Hereditary neoplastic syndrome; Neoplastic Syndromes, Hereditary. Identifiers: Orphanet 140162, MedGen C0027672, MeSH D009386, MONDO:0015356.

Submissions (2):

Ambry Genetics
Classification: Uncertain significance for Hereditary cancer-predisposing syndrome. Last evaluated: 2025-01-30. Review status: criteria provided, single submitter. Criteria: Ambry Variant Classification Scheme 2023. Collection method: clinical testing. Allele origin: germline.
Comment: The p.D1882N variant (also known as c.5644G>A), located in coding exon 41 of the POLE gene, results from a G to A substitution at nucleotide position 5644. The aspartic acid at codon 1882 is replaced by asparagine, an amino acid with highly similar properties. This amino acid position is conserved. In addition, this alteration is predicted to be tolerated by in silico analysis. Based on the available evidence, the clinical significance of this variant remains unclear.

Labcorp Genetics (formerly Invitae), Labcorp
Classification: Uncertain significance. Last evaluated: 2021-05-19. Review status: criteria provided, single submitter. Criteria: Invitae Variant Classification Sherloc (09022015). Collection method: clinical testing. Allele origin: germline.
Comment: In summary, the available evidence is currently insufficient to determine the role of this variant in disease. Therefore, it has been classified as a Variant of Uncertain Significance. Algorithms developed to predict the effect of missense changes on protein structure and function are either unavailable or do not agree on the potential impact of this missense change (SIFT: "Tolerated"; PolyPhen-2: "Probably Damaging"; Align-GVGD: "Class C0"). This variant has not been reported in the literature in individuals with POLE-related conditions. This variant is not present in population databases (ExAC no frequency). This sequence change replaces aspartic acid with asparagine at codon 1882 of the POLE protein (p.Asp1882Asn). The aspartic acid residue is highly conserved and there is a small physicochemical difference between aspartic acid and asparagine.